The following is an entry in ClinVar:

ClinVar aggregate classification (germline): Conflicting classifications of pathogenicity. Review status: criteria provided, conflicting classifications (1 of 4 stars). 7 submissions from 7 submitters: Uncertain significance (5); Likely benign (1). 1 of the submissions does not count toward it. Last evaluated 2026-02-01.

Conditions:
Ovarian cancer. Also called: OVARIAN CANCER, SOMATIC. Identifiers: Orphanet 213500, MedGen C1140680, MONDO:0008170, OMIM 167000.
Fanconi anemia complementation group J. Also called: BRIP1-Related Fanconi Anemia. Identifiers: Orphanet 84, MedGen C1836860, MONDO:0012187, OMIM 609054.
Familial ovarian cancer. Identifiers: MedGen C5679802, MONDO:0016248.
Hereditary cancer-predisposing syndrome. Also called: Neoplastic Syndromes, Hereditary; Hereditary Cancer Syndrome; Tumor predisposition; Hereditary neoplastic syndrome. Identifiers: Orphanet 140162, MedGen C0027672, MeSH D009386, MONDO:0015356.
Familial cancer of breast. Also called: Hereditary breast cancer; hereditary breast carcinoma; BREAST CANCER, FAMILIAL. Identifiers: Orphanet 227535, MedGen C0346153, MONDO:0016419, OMIM 114480. Disease mechanism: loss of function.

Allele frequency attached by ClinVar (database versions not stated): gnomAD exomes below 0.00001 and 0.00001; ExAC 0.00001; TOPMed 0.00001.

Submissions (7):

Labcorp Genetics (formerly Invitae), Labcorp
Classification: Uncertain significance for Familial cancer of breast; Fanconi anemia complementation group J. Last evaluated: 2026-02-01. Review status: criteria provided, single submitter. Criteria: Invitae Variant Classification Sherloc (09022015). Collection method: clinical testing. Allele origin: germline.
Comment: This sequence change replaces methionine, which is neutral and non-polar, with threonine, which is neutral and polar, at codon 100 of the BRIP1 protein (p.Met100Thr). This variant is present in population databases (rs587782427, gnomAD 0.006%). This variant has not been reported in the literature in individuals affected with BRIP1-related conditions. ClinVar contains an entry for this variant (Variation ID: 142390). Invitae Evidence Modeling of protein sequence and biophysical properties (such as structural, functional, and spatial information, amino acid conservation, physicochemical variation, residue mobility, and thermodynamic stability) indicates that this missense variant is not expected to disrupt BRIP1 protein function with a negative predictive value of 95%. In summary, the available evidence is currently insufficient to determine the role of this variant in disease. Therefore, it has been classified as a Variant of Uncertain Significance.

Color Diagnostics, LLC DBA Color Health
Classification: Uncertain significance for Hereditary cancer-predisposing syndrome. Last evaluated: 2024-12-23. Review status: criteria provided, single submitter. Criteria: ACMG Guidelines, 2015. Collection method: clinical testing. Allele origin: germline.
Comment: This missense variant replaces methionine with threonine at codon 100 of the BRIP1 protein. Computational prediction suggests that this variant may not impact protein structure and function. To our knowledge, functional studies have not been reported for this variant. This variant has not been reported in individuals affected with hereditary cancer in the literature. This variant has been identified in 1/251458 chromosomes in the general population by the Genome Aggregation Database (gnomAD). The available evidence is insufficient to determine the role of this variant in disease conclusively. Therefore, this variant is classified as a Variant of Uncertain Significance.

Ambry Genetics
Classification: Likely benign for Hereditary cancer-predisposing syndrome. Last evaluated: 2024-03-21. Review status: criteria provided, single submitter. Criteria: Ambry Variant Classification Scheme 2023. Collection method: clinical testing. Allele origin: germline.

Hereditary Cancer Laboratory, Hospital Universitario 12 de Octubre
Classification: Uncertain significance for Hereditary cancer-predisposing syndrome. Last evaluated: 2024-02-15. Review status: criteria provided, single submitter. Criteria: ACMG Guidelines, 2015. Collection method: clinical testing. Allele origin: germline.
Comment: PM2+BP4

Myriad Genetics, Inc.
Classification: Uncertain significance for Familial cancer of breast. Last evaluated: 2023-03-01. Review status: criteria provided, single submitter. Criteria: Myriad Autosomal Dominant, Autosomal Recessive and X-Linked Classification Criteria (2023). Collection method: clinical testing. Allele origin: unknown.
Comment: This variant is classified as a variant of uncertain significance as there is insufficient evidence to determine its impact on protein function and/or cancer risk.

Department of Pathology and Laboratory Medicine, Sinai Health System
Classification: Uncertain significance for familial ovarian cancer. Last evaluated: 2020-11-05. Review status: criteria provided, single submitter. Criteria: ACMG Guidelines, 2015. Collection method: clinical testing. Allele origin: germline. Affected: yes.

Counsyl
Classification: Uncertain significance for Fanconi anemia complementation group J; Ovarian cancer. Last evaluated: 2018-02-06. Review status: no assertion criteria provided. Collection method: clinical testing. Allele origin: unknown. Not counted in ClinVar's aggregate classification.

Literature cited by the submitters: PubMed 31206626 (cited by Ambry Genetics).

NM_032043.3(BRIP1):c.299T>C (p.Met100Thr)

Gene: BRIP1 (BRCA1 interacting DNA helicase 1; minus strand). Cytogenetic location: 17q23.2.
Variant type: single nucleotide variant.
Coding change: c.299T>C on transcript NM_032043.3 (MANE Select); coding-DNA position 299, T replaced by C.
Protein change: p.Met100Thr; replaces methionine 100 with threonine.
Molecular consequence: missense variant.
Genome position (GRCh38, 1-based): chr17:61,857,138, A>G on the plus strand (T>C on the coding strand, the complement: BRIP1 is on the minus strand). VCF-style: chr17-61857138-A-G. GRCh37 (hg19) VCF-style: chr17-59934499-A-G.
Other names: short protein forms M100T.
Identifiers: ClinVar variation 142390 (VCV000142390.25), dbSNP rs587782427, ClinGen allele CA168226.
Genomic context (GRCh38, chr17:61,857,138, plus strand): 5'-CCATTTCTTTCAGAAGGTGGTGTGCTTGGATAGTTGAAATGACGTGAAGTTCCTTGGTTC[A>G]TGTCATTGTTTGTAAAATCCTTTGAATGGCATGCACAACAACATGACAATTGTACTTCAG-3'
Protein context (NP_114432.2, residues 90-110): CHSKDFTNND[Met100Thr]NQGTSRHFNY